The following is an entry in ClinVar:

ClinVar aggregate classification (germline): Uncertain significance (1 of 4 stars; one submission).

Conditions:
Hereditary cancer-predisposing syndrome. Also called: Neoplastic Syndromes, Hereditary; Tumor predisposition; Hereditary neoplastic syndrome; Hereditary Cancer Syndrome. Identifiers: Orphanet 140162, MedGen C0027672, MeSH D009386, MONDO:0015356.

gnomAD v4.1: 1 of 1,555,910 alleles (0.000064%); highest among the groups gnomAD compares: Non-Finnish European, 0.000087%; no homozygotes.

Submission:

Ambry Genetics
Classification: Uncertain significance for Hereditary cancer-predisposing syndrome. Last evaluated: 2026-07-02. Review status: criteria provided, single submitter. Criteria: Ambry Variant Classification Scheme 2023. Collection method: clinical testing. Allele origin: germline.
Comment: The p.Q545R variant (also known as c.1634A>G), located in coding exon 8 of the RET gene, results from an A to G substitution at nucleotide position 1634. The glutamine at codon 545 is replaced by arginine, an amino acid with highly similar properties. This amino acid position is conserved. In addition, the in silico prediction for this alteration is inconclusive. Based on the available evidence, the clinical significance of this variant remains unclear.

NM_020975.6(RET):c.1634A>G (p.Gln545Arg)

Gene: RET (ret proto-oncogene; plus strand). Cytogenetic location: 10q11.21.
Variant type: single nucleotide variant.
Coding change: c.1634A>G on transcript NM_020975.6 (MANE Select); coding-DNA position 1634, A replaced by G.
Protein change: p.Gln545Arg; replaces glutamine 545 with arginine.
Molecular consequence: missense variant.
Genome position (GRCh38, 1-based): chr10:43,112,210, A>G. VCF-style: chr10-43112210-A-G. GRCh37 (hg19) VCF-style: chr10-43607658-A-G.
Other names: c.1505A>G, p.Gln502Arg (NM_001406761.1, NM_001406762.1, NM_001406764.1 and 1 more transcripts); c.1634A>G, p.Gln545Arg (NM_001406763.1, NM_001406765.1, NM_020630.7 and 4 more transcripts); c.1346A>G, p.Gln449Arg (NM_001406766.1, NM_001406767.1, NM_001406770.1); c.1238A>G, p.Gln413Arg (NM_001406769.1, NM_001406772.1); c.737A>G, p.Gln246Arg (NM_001406780.1, NM_001406781.1, NM_001406782.1 and 3 more transcripts); c.608A>G, p.Gln203Arg (NM_001406783.1, NM_001406786.1); c.644A>G, p.Gln215Arg (NM_001406784.1); c.449A>G, p.Gln150Arg (NM_001406788.1, NM_001406789.1, NM_001406790.1 and 1 more transcripts); and 5 more; short protein forms Q203R, Q399R, Q413R, Q449R, Q215R, Q303R, Q502R, Q545R.
Identifiers: ClinVar variation 5028167 (VCV005028167.1).